The following is an entry in ClinVar:

ClinVar aggregate classification (germline): Pathogenic (1 of 4 stars; one submission).

Conditions:
Inborn genetic diseases. Identifiers: MedGen C0950123, MeSH D030342.

Submission:

Ambry Genetics
Classification: Pathogenic for Inborn genetic diseases. Last evaluated: 2019-10-15. Review status: criteria provided, single submitter. Criteria: Ambry Variant Classification Scheme 2023. Collection method: clinical testing. Allele origin: germline.
Comment: The c.2216delT pathogenic mutation, located in coding exon 14 of the CDKL5 gene, results from a deletion of one nucleotide at nucleotide position 2216, causing a translational frameshift with a predicted alternate stop codon (p.L739Hfs*45). This alteration is expected to result in loss of function by premature protein truncation or nonsense-mediated mRNA decay. As such, this alteration is interpreted as a disease-causing mutation.

NM_001323289.2(CDKL5):c.2216del (p.Leu739fs)

Gene: CDKL5 (cyclin dependent kinase like 5; plus strand). Cytogenetic location: Xp22.13.
Variant type: Deletion.
Coding change: c.2216del on transcript NM_001323289.2 (MANE Select); coding-DNA position 2216, one base deleted (T; older notation c.2216delT).
Protein change: p.Leu739fs; shifts the reading frame from leucine 739.
Molecular consequence: frameshift variant.
Genome position (GRCh38, 1-based): chrX:18,613,215, T deleted. VCF-style (leftmost placement, unchanged base first): chrX-18613214-CT-C. GRCh37 (hg19) VCF-style: chrX-18631334-CT-C.
Other names: c.2216del, p.Leu739fs (NM_001037343.2, NM_003159.3); short protein forms L739fs.
Identifiers: ClinVar variation 1787844 (VCV001787844.2), dbSNP rs2518884888, ClinGen allele CA2580100387.